The following is an entry in ClinVar:

NM_001458.5(FLNC):c.7387A>G (p.Lys2463Glu)

Genes: FLNC-AS1 (FLNC antisense RNA 1; minus strand), FLNC (filamin C; plus strand). Cytogenetic location: 7q32.1.
Variant type: single nucleotide variant.
Coding change: c.7387A>G on transcript NM_001458.5 (MANE Select); coding-DNA position 7387, A replaced by G.
Protein change: p.Lys2463Glu; replaces lysine 2463 with glutamic acid.
Molecular consequence: missense variant.
Genome position (GRCh38, 1-based): chr7:128,856,747, A>G. VCF-style: chr7-128856747-A-G. GRCh37 (hg19) VCF-style: chr7-128496801-A-G.
Other names: c.7288A>G, p.Lys2430Glu (NM_001127487.2); short protein forms K2463E, K2430E.
Identifiers: ClinVar variation 2201922 (VCV002201922.7), dbSNP rs1809078965, ClinGen allele CA369217163.

ClinVar aggregate classification (germline): Uncertain significance. Review status: criteria provided, multiple submitters, no conflicts (2 of 4 stars). 2 submissions from 2 submitters: Uncertain significance (2). Last evaluated 2025-02-13.

Conditions:
Myofibrillar myopathy 5. Also called: Filaminopathy (type); FILAMINOPATHY, AUTOSOMAL DOMINANT. Identifiers: Orphanet 171445, MedGen C1836050, MONDO:0012289, OMIM 609524.
Distal myopathy with posterior leg and anterior hand involvement. Also called: WILLIAMS DISTAL MYOPATHY. Identifiers: Orphanet 63273, MedGen C3279722, MONDO:0013550, OMIM 614065.
Hypertrophic cardiomyopathy 26. Also called: Cardiomyopathy, familial hypertrophic, 26. Identifiers: Orphanet 75249, MedGen C4310749, MONDO:0014883, OMIM 617047.
Cardiovascular phenotype. Identifiers: MedGen CN230736.

Allele frequency attached by ClinVar (database versions not stated): gnomAD exomes below 0.00001.
gnomAD v4.1: 4 of 1,614,112 alleles (0.00025%); highest among the groups gnomAD compares: African/African-American, 0.0027%; no homozygotes.

Submissions (2):

Ambry Genetics
Classification: Uncertain significance for Cardiovascular phenotype. Last evaluated: 2025-02-13. Review status: criteria provided, single submitter. Criteria: Ambry Variant Classification Scheme 2023. Collection method: clinical testing. Allele origin: germline.
Comment: The p.K2463E variant (also known as c.7387A>G), located in coding exon 45 of the FLNC gene, results from an A to G substitution at nucleotide position 7387. The lysine at codon 2463 is replaced by glutamic acid, an amino acid with similar properties. This amino acid position is well conserved in available vertebrate species. In addition, the in silico prediction for this alteration is inconclusive. Since supporting evidence is limited at this time, the clinical significance of this alteration remains unclear.

Labcorp Genetics (formerly Invitae), Labcorp
Classification: Uncertain significance for Distal myopathy with posterior leg and anterior hand involvement; Myofibrillar myopathy 5; Hypertrophic cardiomyopathy 26. Last evaluated: 2024-10-19. Review status: criteria provided, single submitter. Criteria: Invitae Variant Classification Sherloc (09022015). Collection method: clinical testing. Allele origin: germline.
Comment: This sequence change replaces lysine, which is basic and polar, with glutamic acid, which is acidic and polar, at codon 2463 of the FLNC protein (p.Lys2463Glu). This variant is not present in population databases (gnomAD no frequency). This variant has not been reported in the literature in individuals affected with FLNC-related conditions. ClinVar contains an entry for this variant (Variation ID: 2201922). An algorithm developed to predict the effect of missense changes on protein structure and function (PolyPhen-2) suggests that this variant is likely to be tolerated. In summary, the available evidence is currently insufficient to determine the role of this variant in disease. Therefore, it has been classified as a Variant of Uncertain Significance.